The following is an entry in ClinVar:

ClinVar aggregate classification (germline): Uncertain significance. Review status: criteria provided, multiple submitters, no conflicts (2 of 4 stars). 8 submissions from 8 submitters: Uncertain significance (8). Last evaluated 2025-12-15.

Conditions:
Multiple endocrine neoplasia, type 2 (MEN2). Identifiers: Orphanet 653, MedGen C4048306, MONDO:0019003. Disease mechanism: gain of function.
RET-related disorder. Also called: RET-related condition; RET-related disease; RET-related disorders.
Hirschsprung disease, susceptibility to, 1 (HSCR1). Also called: RET-Related Hirschsprung Disease. Identifiers: Orphanet 388, MedGen C3888239, MONDO:0007723, OMIM 142623.
Hereditary cancer-predisposing syndrome. Also called: Tumor predisposition; Hereditary Cancer Syndrome; Neoplastic Syndromes, Hereditary; Hereditary neoplastic syndrome. Identifiers: Orphanet 140162, MedGen C0027672, MeSH D009386, MONDO:0015356.

Allele frequency attached by ClinVar (database versions not stated): gnomAD exomes below 0.00001; ExAC 0.00001; gnomAD 0.00001; TOPMed 0.00001.

Submissions (8):

Labcorp Genetics (formerly Invitae), Labcorp
Classification: Uncertain significance for Multiple endocrine neoplasia, type 2. Last evaluated: 2025-12-15. Review status: criteria provided, single submitter. Criteria: Invitae Variant Classification Sherloc (09022015). Collection method: clinical testing. Allele origin: germline.
Comment: This sequence change replaces arginine, which is basic and polar, with glycine, which is neutral and non-polar, at codon 1050 of the RET protein (p.Arg1050Gly). This variant is present in population databases (rs767479170, gnomAD 0.0009%). This variant has not been reported in the literature in individuals affected with RET-related conditions. ClinVar contains an entry for this variant (Variation ID: 822992). An algorithm developed to predict the effect of missense changes on protein structure and function (PolyPhen-2) suggests that this variant is likely to be disruptive. In summary, the available evidence is currently insufficient to determine the role of this variant in disease. Therefore, it has been classified as a Variant of Uncertain Significance.

Quest Diagnostics Nichols Institute San Juan Capistrano
Classification: Uncertain significance. Last evaluated: 2025-09-12. Review status: criteria provided, single submitter. Criteria: Quest Diagnostics criteria. Collection method: clinical testing. Allele origin: unknown.

Ambry Genetics
Classification: Uncertain significance for Hereditary cancer-predisposing syndrome. Last evaluated: 2024-05-19. Review status: criteria provided, single submitter. Criteria: Ambry Variant Classification Scheme 2023. Collection method: clinical testing. Allele origin: germline.
Comment: The p.R1050G variant (also known as c.3148C>G), located in coding exon 19 of the RET gene, results from a C to G substitution at nucleotide position 3148. The arginine at codon 1050 is replaced by glycine, an amino acid with dissimilar properties. This amino acid position is highly conserved in available vertebrate species. In addition, this alteration is predicted to be deleterious by in silico analysis. Since supporting evidence is limited at this time, the clinical significance of this alteration remains unclear.

All of Us Research Program, National Institutes of Health
Classification: Uncertain significance for Multiple endocrine neoplasia, type 2. Last evaluated: 2024-03-24. Review status: criteria provided, single submitter. Criteria: ACMG Guidelines, 2015. Collection method: clinical testing. Allele origin: germline. Inheritance: Autosomal dominant inheritance. Observed: 2 variant alleles, 2 heterozygotes.
Comment: This missense variant replaces arginine with glycine at codon 1050 of the RET protein. Computational prediction is inconclusive regarding the impact of this variant on protein structure and function (internally defined REVEL score threshold 0.5 < inconclusive < 0.7, PMID: 27666373). To our knowledge, functional studies have not been reported for this variant. This variant has not been reported in individuals affected with hereditary cancer in the literature. This variant has been identified in 1/251432 chromosomes in the general population by the Genome Aggregation Database (gnomAD). The available evidence is insufficient to determine the role of this variant in disease conclusively. Therefore, this variant is classified as a Variant of Uncertain Significance.

This study involves interpretation of variants in research participants for the purpose of population health screening. Participant phenotype was not available at the time of variant classification. Additional details can be found in publication PMID: 35346344, PMCID: PMC8962531

Color Diagnostics, LLC DBA Color Health
Classification: Uncertain significance for Multiple endocrine neoplasia, type 2. Last evaluated: 2024-03-13. Review status: criteria provided, single submitter. Criteria: ACMG Guidelines, 2015. Collection method: clinical testing. Allele origin: germline.
Comment: This missense variant replaces arginine with glycine at codon 1050 of the RET protein. Computational prediction is inconclusive regarding the impact of this variant on protein structure and function. To our knowledge, functional studies have not been reported for this variant. This variant has not been reported in individuals affected with hereditary cancer in the literature. This variant has been identified in 1/251432 chromosomes in the general population by the Genome Aggregation Database (gnomAD). The available evidence is insufficient to determine the role of this variant in disease conclusively. Therefore, this variant is classified as a Variant of Uncertain Significance.

Baylor Genetics
Classification: Uncertain significance for Hirschsprung disease, susceptibility to, 1. Last evaluated: 2024-01-17. Review status: criteria provided, single submitter. Criteria: ACMG Guidelines, 2015. Collection method: clinical testing. Allele origin: unknown.

PreventionGenetics, part of Exact Sciences
Classification: Uncertain significance for RET-related condition. Last evaluated: 2023-07-25. Review status: criteria provided, single submitter. Criteria: ACMG Guidelines, 2015. Collection method: clinical testing. Allele origin: germline.
Comment: The RET c.3148C>G variant is predicted to result in the amino acid substitution p.Arg1050Gly. To our knowledge, this variant has not been reported in the literature. This variant is reported in 0.00088% of alleles in individuals of European (Non-Finnish) descent in gnomAD. At this time, the clinical significance of this variant is uncertain due to the absence of conclusive functional and genetic evidence.

Laboratory for Molecular Medicine, Mass General Brigham Personalized Medicine
Classification: Uncertain significance. Last evaluated: 2019-04-30. Review status: criteria provided, single submitter. Criteria: LMM Criteria. Collection method: clinical testing. Allele origin: germline. Observed: 1 variant allele.
Comment: The p.Arg1050Gly variant in RET has not been previously reported in individuals with RET-related cancers, but has been identified in 0.001% (1/113722) of European chromosomes by gnomAD. Computational prediction tools and conservation analysis suggest that this variant may impact the protein, though this information is not predictive enough to determine pathogenicity. In summary, the clinical significance of this variant is uncertain. ACMG/AMP Criteria applied: PM2, PP3.

NM_020975.6(RET):c.3148C>G (p.Arg1050Gly)

Gene: RET (ret proto-oncogene; plus strand). Cytogenetic location: 10q11.21.
Variant type: single nucleotide variant.
Coding change: c.3148C>G on transcript NM_020975.6 (MANE Select); coding-DNA position 3148, C replaced by G.
Protein change: p.Arg1050Gly; replaces arginine 1050 with glycine.
Molecular consequence: missense variant.
Genome position (GRCh38, 1-based): chr10:43,126,683, C>G. VCF-style: chr10-43126683-C-G. GRCh37 (hg19) VCF-style: chr10-43622131-C-G.
Other names: c.2386C>G, p.Arg796Gly (NM_001355216.2); c.3148C>G, p.Arg1050Gly (NM_000323.2, NM_001406743.1, NM_001406744.1 and 2 more transcripts); c.3013C>G, p.Arg1005Gly (NM_001406763.1, NM_001406765.1); c.3019C>G, p.Arg1007Gly (NM_001406761.1, NM_001406762.1, NM_001406764.1); c.2860C>G, p.Arg954Gly (NM_001406766.1, NM_001406767.1, NM_001406770.1); c.2884C>G, p.Arg962Gly (NM_001406768.1); c.2752C>G, p.Arg918Gly (NM_001406769.1, NM_001406772.1); c.2710C>G, p.Arg904Gly (NM_001406771.1, NM_001406773.1); and 10 more; short protein forms R796G, R1050G, R567G, R655G, R808G, R875G, R1005G, R720G.
Identifiers: ClinVar variation 822992 (VCV000822992.22), dbSNP rs767479170, ClinGen allele CA042793.
Genomic context (GRCh38, chr10:43,126,683, plus strand): 5'-GACGACGGCCTCTCAGAGGAGGAGACACCGCTGGTGGACTGTAATAATGCCCCCCTCCCT[C>G]GAGCCCTCCCTTCCACATGGATTGAAAACAAACTCTATGGTAGAATTTCCCATGCATTTA-3'
Protein context (NP_066124.1, residues 1040-1060): LVDCNNAPLP[Arg1050Gly]ALPSTWIENK